The following is an entry in ClinVar:

NM_003000.3(SDHB):c.439T>C (p.Tyr147His)

Gene: SDHB (succinate dehydrogenase complex iron sulfur subunit B; minus strand). Cytogenetic location: 1p36.13.
Variant type: single nucleotide variant.
Coding change: c.439T>C on transcript NM_003000.3 (MANE Select); coding-DNA position 439, T replaced by C.
Protein change: p.Tyr147His; replaces tyrosine 147 with histidine.
Molecular consequence: missense variant.
Genome position (GRCh38, 1-based): chr1:17,027,850, A>G on the plus strand (T>C on the coding strand, the complement: SDHB is on the minus strand). VCF-style: chr1-17027850-A-G. GRCh37 (hg19) VCF-style: chr1-17354345-A-G.
Other names: c.385T>C, p.Tyr129His (NM_001407361.1); short protein forms Y129H, Y147H.
Identifiers: ClinVar variation 2091960 (VCV002091960.4), dbSNP rs2525018074, ClinGen allele CA338273359.

ClinVar aggregate classification (germline): Uncertain significance (1 of 4 stars; one submission).

Conditions:
Pheochromocytoma. Also called: MAX-Related Hereditary Paraganglioma-Pheochromocytoma Syndrome. Identifiers: Orphanet 29072, MedGen C0031511, MONDO:0008233, OMIM 171300, HP:0002666.
Pheochromocytoma/paraganglioma syndrome 4. Also called: CAROTID BODY TUMORS AND MULTIPLE EXTRAADRENAL PHEOCHROMOCYTOMAS; PARAGANGLIOMA, FAMILIAL MALIGNANT; PARAGANGLIOMAS, HEREDITARY EXTRAADRENAL; PHEOCHROMOCYTOMA, FAMILIAL EXTRAADRENAL; Paragangliomas 4; SDHB-Related Hereditary Paraganglioma-Pheochromocytoma Syndrome (Paragangliomas 4). Identifiers: Orphanet 29072, MedGen C1861848, MONDO:0007273, OMIM 115310.
Gastrointestinal stromal tumor. Also called: Gastrointestinal stroma tumor; Gastrointestinal stromal tumor, somatic. Identifiers: Orphanet 44890, MedGen C0238198, MeSH D046152, MONDO:0011719, OMIM 606764, HP:0100723.

Submission:

Labcorp Genetics (formerly Invitae), Labcorp
Classification: Uncertain significance for Gastrointestinal stromal tumor; Pheochromocytoma/paraganglioma syndrome 4; Pheochromocytoma. Last evaluated: 2022-02-02. Review status: criteria provided, single submitter. Criteria: Invitae Variant Classification Sherloc (09022015). Collection method: clinical testing. Allele origin: germline.
Comment: In summary, the available evidence is currently insufficient to determine the role of this variant in disease. Therefore, it has been classified as a Variant of Uncertain Significance. Advanced modeling of protein sequence and biophysical properties (such as structural, functional, and spatial information, amino acid conservation, physicochemical variation, residue mobility, and thermodynamic stability) performed at Invitae indicates that this missense variant is expected to disrupt SDHB protein function. This variant has not been reported in the literature in individuals affected with SDHB-related conditions. This variant is not present in population databases (gnomAD no frequency). This sequence change replaces tyrosine, which is neutral and polar, with histidine, which is basic and polar, at codon 147 of the SDHB protein (p.Tyr147His).